The following is an entry in ClinVar:

NM_000551.4(VHL):c.341-4A>T

Genes: VHL (von Hippel-Lindau tumor suppressor; plus strand), LOC107303340 (3p25 von Hippel-Lindau tumor suppressor, E3 ubiquitin protein ligase Alu-mediated recombination region; plus strand). Cytogenetic location: 3p25.3.
Variant type: single nucleotide variant.
Coding change: c.341-4A>T on transcript NM_000551.4 (MANE Select); 4 bases into the intron before coding-DNA position 341, A replaced by T.
Molecular consequence: intron variant.
Genome position (GRCh38, 1-based): chr3:10,146,510, A>T. VCF-style: chr3-10146510-A-T. GRCh37 (hg19) VCF-style: chr3-10188194-A-T.
Other names: c.*18-3277A>T (NM_001354723.2); c.341-3277A>T (NM_198156.3).
Identifiers: ClinVar variation 560743 (VCV000560743.45), dbSNP rs1559428033, ClinGen allele CA658822548.

ClinVar aggregate classification (germline): Conflicting classifications of pathogenicity. Review status: criteria provided, conflicting classifications (1 of 4 stars). 6 submissions from 6 submitters: Uncertain significance (3); Likely benign (3). Last evaluated 2025-06-26.

Conditions:
Von Hippel-Lindau syndrome (VHLS). Also called: Von Hippel-Lindau; von Hippel–Lindau syndrome; VHL syndrome. Identifiers: Orphanet 892, MedGen C0019562, MONDO:0008667, OMIM 193300. Disease mechanism: loss of function.
Chuvash polycythemia. Also called: POLYCYTHEMIA, VHL-DEPENDENT. Identifiers: Orphanet 238557, MedGen C1837915, MONDO:0009892, OMIM 263400.
Hereditary cancer-predisposing syndrome. Also called: Tumor predisposition; Hereditary Cancer Syndrome; Hereditary neoplastic syndrome; Neoplastic Syndromes, Hereditary. Identifiers: Orphanet 140162, MedGen C0027672, MeSH D009386, MONDO:0015356.

Allele frequency attached by ClinVar (database versions not stated): gnomAD exomes below 0.00001.
gnomAD v4.1: 2 of 1,613,558 alleles (0.00012%); highest among the groups gnomAD compares: Non-Finnish European, 0.00017%; no homozygotes.

Submissions (6):

Color Diagnostics, LLC DBA Color Health
Classification: Uncertain significance for Von Hippel-Lindau syndrome. Last evaluated: 2025-06-26. Review status: criteria provided, single submitter. Criteria: ACMG Guidelines, 2015. Collection method: clinical testing. Allele origin: germline.
Comment: This variant causes an A to T nucleotide substitution at the -4 position of intron 1 of the VHL gene. A functional study using saturation genome editing has reported this variant to have an intermediate impact on VHL function (PMID: 38969834). This variant has not been reported in individuals affected with VHL-related disorders in the literature. This variant has not been identified in the general population by the Genome Aggregation Database (gnomAD). The available evidence is insufficient to determine the role of this variant in disease conclusively. Therefore, this variant is classified as a Variant of Uncertain Significance.

Myriad Genetics, Inc.
Classification: Likely benign for Von Hippel-Lindau syndrome. Last evaluated: 2025-06-11. Review status: criteria provided, single submitter. Criteria: Myriad Autosomal Dominant, Autosomal Recessive and X-Linked Classification Criteria (2023). Collection method: clinical testing. Allele origin: unknown.
Comment: This variant is considered likely benign. This variant is intronic and is not expected to impact mRNA splicing.

Labcorp Genetics (formerly Invitae), Labcorp
Classification: Likely benign for Von Hippel-Lindau syndrome; Chuvash polycythemia. Last evaluated: 2025-04-20. Review status: criteria provided, single submitter. Criteria: Invitae Variant Classification Sherloc (09022015). Collection method: clinical testing. Allele origin: germline.

Ambry Genetics
Classification: Uncertain significance for Hereditary cancer-predisposing syndrome. Last evaluated: 2025-01-17. Review status: criteria provided, single submitter. Criteria: Ambry Variant Classification Scheme 2023. Collection method: clinical testing. Allele origin: germline.
Comment: The c.341-4A>T intronic variant results from an A to T substitution 4 nucleotides upstream from coding exon 2 in the VHL gene. This nucleotide position is not well conserved in available vertebrate species. In silico splice site analysis for this alteration is inconclusive. Based on the available evidence, the clinical significance of this variant remains unclear.

CeGaT Center for Human Genetics Tuebingen
Classification: Uncertain significance. Last evaluated: 2023-03-01. Review status: criteria provided, single submitter. Criteria: CeGaT Center For Human Genetics Tuebingen Variant Classification Criteria Version 2. Collection method: clinical testing. Allele origin: germline. Affected: yes. Observed: 1 variant allele.
Comment: VHL: PM2, BP4

PreventionGenetics, part of Exact Sciences
Classification: Likely benign. Last evaluated: 2017-02-17. Review status: criteria provided, single submitter. Criteria: ACMG Guidelines, 2015. Collection method: clinical testing. Allele origin: germline.

Literature cited by the submitters: PubMed 38969834 (cited by Color Diagnostics, LLC DBA Color Health).